The following is an entry in ClinVar:

ClinVar aggregate classification (germline): Uncertain significance (1 of 4 stars; one submission).

Conditions:
Cardiovascular phenotype. Identifiers: MedGen CN230736.

Submission:

Ambry Genetics
Classification: Uncertain significance for Cardiovascular phenotype. Last evaluated: 2021-01-19. Review status: criteria provided, single submitter. Criteria: Ambry Variant Classification Scheme 2023. Collection method: clinical testing. Allele origin: germline.
Comment: The p.L1024W variant (also known as c.3071T>G), located in coding exon 22 of the DSP gene, results from a T to G substitution at nucleotide position 3071. The leucine at codon 1024 is replaced by tryptophan, an amino acid with similar properties. This amino acid position is well conserved in available vertebrate species. In addition, the in silico prediction for this alteration is inconclusive. Since supporting evidence is limited at this time, the clinical significance of this alteration remains unclear.

NM_004415.4(DSP):c.3071T>G (p.Leu1024Trp)

Gene: DSP (desmoplakin; plus strand). Cytogenetic location: 6p24.3.
Variant type: single nucleotide variant.
Coding change: c.3071T>G on transcript NM_004415.4 (MANE Select); coding-DNA position 3071, T replaced by G.
Protein change: p.Leu1024Trp; replaces leucine 1024 with tryptophan.
Molecular consequence: missense variant.
Genome position (GRCh38, 1-based): chr6:7,578,549, T>G. VCF-style: chr6-7578549-T-G. GRCh37 (hg19) VCF-style: chr6-7578782-T-G.
Other names: c.3071T>G, p.Leu1024Trp (NM_001319034.2, NM_001008844.3); short protein forms L1024W.
Identifiers: ClinVar variation 1727266 (VCV001727266.2), dbSNP rs2533920005, ClinGen allele CA362682775.